The following is an entry in ClinVar:

NM_000284.4(PDHA1):c.*1682T>C

Genes: MAP3K15 (mitogen-activated protein kinase kinase kinase 15; minus strand), PDHA1 (pyruvate dehydrogenase E1 subunit alpha 1; plus strand). Cytogenetic location: Xp22.12.
Variant type: single nucleotide variant.
Coding change: c.*1682T>C on transcript NM_000284.4 (MANE Select); 1682 bases downstream of the stop codon, T replaced by C.
Molecular consequence: 3 prime UTR variant. On other transcripts: intron variant (1).
Genome position (GRCh38, 1-based): chrX:19,361,335, T>C. VCF-style: chrX-19361335-T-C. GRCh37 (hg19) VCF-style: chrX-19379453-T-C.
Other names: NC_000023.10:g.19379453T>C; c.*1682T>C (NM_001173454.2, NM_001173455.2, NM_001173456.2); c.3857+4A>G (NM_001001671.4).
Identifiers: ClinVar variation 913384 (VCV000913384.8), dbSNP rs55744630, ClinGen allele CA10363315.

ClinVar aggregate classification (germline): Benign. Review status: criteria provided, multiple submitters, no conflicts (2 of 4 stars). 3 submissions from 3 submitters: Benign (2). 1 of the submissions does not count toward it. Last evaluated 2018-01-13.

Conditions:
Pyruvate dehydrogenase E1-alpha deficiency (PDHAD). Also called: Ataxia, intermittent, with pyruvate dehydrogenase, or decarboxylase, deficiency; ATAXIA, INTERMITTENT, WITH PYRUVATE DEHYDROGENASE DEFICIENCY; ATAXIA WITH LACTIC ACIDOSIS I; ATAXIA, INTERMITTENT, WITH ABNORMAL PYRUVATE METABOLISM. Identifiers: Orphanet 79243, MedGen C1839413, MONDO:0010717, OMIM 312170.
MAP3K15-related disorder. Also called: MAP3K15-related condition.

Allele frequency attached by ClinVar (database versions not stated): 1000 Genomes Project 0.00609; 1000 Genomes Project 30x 0.00624; gnomAD exomes 0.00954 and 0.01057; gnomAD 0.00991 and 0.00998; TOPMed 0.01004; ESP Exome Variant Server 0.01032; ExAC 0.01234.
gnomAD v4.1: 11,545 of 1,193,337 alleles (0.97%); highest among the groups gnomAD compares: Middle Eastern, 3.5%; 61 homozygotes.

Submissions 1 to 29 of 84:

Illumina Laboratory Services, Illumina
Classification: Benign for Pyruvate dehydrogenase E1-alpha deficiency. Last evaluated: 2018-01-13. Review status: criteria provided, single submitter. Criteria: ICSL Variant Classification Criteria 13 December 2019. Collection method: clinical testing. Allele origin: germline.
Comment: This variant was observed in the ICSL laboratory as part of a predisposition screen in an ostensibly healthy population. It had not been previously curated by ICSL or reported in the Human Gene Mutation Database (HGMD: prior to June 1st, 2018), and was therefore a candidate for classification through an automated scoring system. Utilizing variant allele frequency, disease prevalence and penetrance estimates, and inheritance mode, an automated score was calculated to assess if this variant is too frequent to cause the disease. Based on the score and internal cut-off values, a variant classified as benign is not then subjected to further curation. The score for this variant resulted in a classification of benign for this disease.

Breakthrough Genomics
Classification: Benign. Review status: criteria provided, single submitter. Criteria: ACMG Guidelines, 2015. Collection method: not provided. Allele origin: germline. Inheritance: X-linked inheritance. Affected: yes.

PreventionGenetics, part of Exact Sciences
Classification: Benign for MAP3K15-related condition. Last evaluated: 2019-04-15. Review status: no assertion criteria provided. Collection method: clinical testing. Allele origin: germline. Not counted in ClinVar's aggregate classification.
Comment: This variant is classified as benign based on ACMG/AMP sequence variant interpretation guidelines (Richards et al. 2015 PMID: 25741868, with internal and published modifications).

Dr. Peter K. Rogan Lab, Western University
No classification provided (evidence only). Condition: Clear cell carcinoma of kidney. Review status: no classification provided. Collection method: in vitro. Allele origin: not applicable. Functional consequence: retained intron. Not counted in ClinVar's aggregate classification.

Dr. Peter K. Rogan Lab, Western University
No classification provided (evidence only). Condition: Clear cell carcinoma of kidney. Review status: no classification provided. Collection method: in vitro. Allele origin: not applicable. Functional consequence: retained intron. Not counted in ClinVar's aggregate classification.

Dr. Peter K. Rogan Lab, Western University
No classification provided (evidence only). Condition: Clear cell carcinoma of kidney. Review status: no classification provided. Collection method: in vitro. Allele origin: not applicable. Functional consequence: retained intron. Not counted in ClinVar's aggregate classification.

Dr. Peter K. Rogan Lab, Western University
No classification provided (evidence only). Condition: Clear cell carcinoma of kidney. Review status: no classification provided. Collection method: in vitro. Allele origin: not applicable. Functional consequence: retained intron. Not counted in ClinVar's aggregate classification.

Dr. Peter K. Rogan Lab, Western University
No classification provided (evidence only). Condition: Lung cancer. Review status: no classification provided. Collection method: in vitro. Allele origin: not applicable. Functional consequence: retained intron. Not counted in ClinVar's aggregate classification.

Dr. Peter K. Rogan Lab, Western University
No classification provided (evidence only). Condition: Lung cancer. Review status: no classification provided. Collection method: in vitro. Allele origin: not applicable. Functional consequence: retained intron. Not counted in ClinVar's aggregate classification.

Dr. Peter K. Rogan Lab, Western University
No classification provided (evidence only). Condition: Lung cancer. Review status: no classification provided. Collection method: in vitro. Allele origin: not applicable. Functional consequence: retained intron. Not counted in ClinVar's aggregate classification.

Dr. Peter K. Rogan Lab, Western University
No classification provided (evidence only). Condition: Lung cancer. Review status: no classification provided. Collection method: in vitro. Allele origin: not applicable. Functional consequence: retained intron. Not counted in ClinVar's aggregate classification.

Dr. Peter K. Rogan Lab, Western University
No classification provided (evidence only). Condition: Lung cancer. Review status: no classification provided. Collection method: in vitro. Allele origin: not applicable. Functional consequence: retained intron. Not counted in ClinVar's aggregate classification.

Dr. Peter K. Rogan Lab, Western University
No classification provided (evidence only). Condition: Lung cancer. Review status: no classification provided. Collection method: in vitro. Allele origin: not applicable. Functional consequence: retained intron. Not counted in ClinVar's aggregate classification.

Dr. Peter K. Rogan Lab, Western University
No classification provided (evidence only). Condition: Lung cancer. Review status: no classification provided. Collection method: in vitro. Allele origin: not applicable. Functional consequence: retained intron. Not counted in ClinVar's aggregate classification.

Dr. Peter K. Rogan Lab, Western University
No classification provided (evidence only). Condition: Lung cancer. Review status: no classification provided. Collection method: in vitro. Allele origin: not applicable. Functional consequence: retained intron. Not counted in ClinVar's aggregate classification.

Dr. Peter K. Rogan Lab, Western University
No classification provided (evidence only). Condition: Melanoma. Review status: no classification provided. Collection method: in vitro. Allele origin: not applicable. Functional consequence: retained intron. Not counted in ClinVar's aggregate classification.

Dr. Peter K. Rogan Lab, Western University
No classification provided (evidence only). Condition: Melanoma. Review status: no classification provided. Collection method: in vitro. Allele origin: not applicable. Functional consequence: retained intron. Not counted in ClinVar's aggregate classification.

Dr. Peter K. Rogan Lab, Western University
No classification provided (evidence only). Condition: Melanoma. Review status: no classification provided. Collection method: in vitro. Allele origin: not applicable. Functional consequence: retained intron. Not counted in ClinVar's aggregate classification.

Dr. Peter K. Rogan Lab, Western University
No classification provided (evidence only). Condition: Melanoma. Review status: no classification provided. Collection method: in vitro. Allele origin: not applicable. Functional consequence: retained intron. Not counted in ClinVar's aggregate classification.

Dr. Peter K. Rogan Lab, Western University
No classification provided (evidence only). Condition: Melanoma. Review status: no classification provided. Collection method: in vitro. Allele origin: not applicable. Functional consequence: retained intron. Not counted in ClinVar's aggregate classification.

Dr. Peter K. Rogan Lab, Western University
No classification provided (evidence only). Condition: Melanoma. Review status: no classification provided. Collection method: in vitro. Allele origin: not applicable. Functional consequence: retained intron. Not counted in ClinVar's aggregate classification.

Dr. Peter K. Rogan Lab, Western University
No classification provided (evidence only). Condition: Melanoma. Review status: no classification provided. Collection method: in vitro. Allele origin: not applicable. Functional consequence: retained intron. Not counted in ClinVar's aggregate classification.

Dr. Peter K. Rogan Lab, Western University
No classification provided (evidence only). Condition: Familial cancer of breast. Review status: no classification provided. Collection method: in vitro. Allele origin: not applicable. Functional consequence: retained intron. Not counted in ClinVar's aggregate classification.

Dr. Peter K. Rogan Lab, Western University
No classification provided (evidence only). Condition: Familial cancer of breast. Review status: no classification provided. Collection method: in vitro. Allele origin: not applicable. Functional consequence: retained intron. Not counted in ClinVar's aggregate classification.

Dr. Peter K. Rogan Lab, Western University
No classification provided (evidence only). Condition: Familial cancer of breast. Review status: no classification provided. Collection method: in vitro. Allele origin: not applicable. Functional consequence: retained intron. Not counted in ClinVar's aggregate classification.

Dr. Peter K. Rogan Lab, Western University
No classification provided (evidence only). Condition: Familial cancer of breast. Review status: no classification provided. Collection method: in vitro. Allele origin: not applicable. Functional consequence: retained intron. Not counted in ClinVar's aggregate classification.

Dr. Peter K. Rogan Lab, Western University
No classification provided (evidence only). Condition: Familial cancer of breast. Review status: no classification provided. Collection method: in vitro. Allele origin: not applicable. Functional consequence: retained intron. Not counted in ClinVar's aggregate classification.

Dr. Peter K. Rogan Lab, Western University
No classification provided (evidence only). Condition: Familial cancer of breast. Review status: no classification provided. Collection method: in vitro. Allele origin: not applicable. Functional consequence: retained intron. Not counted in ClinVar's aggregate classification.

Dr. Peter K. Rogan Lab, Western University
No classification provided (evidence only). Condition: Familial cancer of breast. Review status: no classification provided. Collection method: in vitro. Allele origin: not applicable. Functional consequence: retained intron. Not counted in ClinVar's aggregate classification.